The following is an entry in ClinVar:

ClinVar aggregate classification (germline): Uncertain significance (1 of 4 stars; one submission).

Conditions:
Hereditary cancer-predisposing syndrome. Also called: Hereditary Cancer Syndrome; Neoplastic Syndromes, Hereditary; Tumor predisposition; Hereditary neoplastic syndrome. Identifiers: Orphanet 140162, MedGen C0027672, MeSH D009386, MONDO:0015356.

Submission:

Ambry Genetics
Classification: Uncertain significance for Hereditary cancer-predisposing syndrome. Last evaluated: 2026-08-16. Review status: criteria provided, single submitter. Criteria: Ambry Variant Classification Scheme 2023. Collection method: clinical testing. Allele origin: germline.
Comment: The p.G197R variant (also known as c.589G>A), located in coding exon 5 of the EGFR gene, results from a G to A substitution at nucleotide position 589. The glycine at codon 197 is replaced by arginine, an amino acid with dissimilar properties. This amino acid position is conserved. In addition, this alteration is predicted to be tolerated by in silico analysis. Based on the available evidence, the clinical significance of this variant remains unclear.

NM_005228.5(EGFR):c.589G>A (p.Gly197Arg)

Gene: EGFR (epidermal growth factor receptor; plus strand). Cytogenetic location: 7p11.2.
Variant type: single nucleotide variant.
Coding change: c.589G>A on transcript NM_005228.5 (MANE Select); coding-DNA position 589, G replaced by A.
Protein change: p.Gly197Arg; replaces glycine 197 with arginine.
Molecular consequence: missense variant. On other transcripts: intron variant (1).
Genome position (GRCh38, 1-based): chr7:55,151,323, G>A. VCF-style: chr7-55151323-G-A. GRCh37 (hg19) VCF-style: chr7-55219016-G-A.
Other names: c.454G>A, p.Gly152Arg (NM_001346899.2, NM_001346897.2); c.430G>A, p.Gly144Arg (NM_001346900.2); c.589G>A, p.Gly197Arg (NM_201282.2, NM_201283.2, NM_201284.2 and 1 more transcripts); c.89-4507G>A (NM_001346941.2); short protein forms G152R, G197R, G144R.
Identifiers: ClinVar variation 5035821 (VCV005035821.1).